The following is an entry in ClinVar:

ClinVar aggregate classification (germline): Benign (1 of 4 stars; one submission).

Conditions:
Maple syrup urine disease (MSUD). Identifiers: Orphanet 511, MedGen C0024776, MeSH D008375, MONDO:0009563. Disease mechanism: loss of function.

Allele frequency attached by ClinVar (database versions not stated): gnomAD 0.01714 and 0.01826; 1000 Genomes Project 30x 0.01921; 1000 Genomes Project 0.01957; TOPMed 0.01980.

Submission:

Illumina Laboratory Services, Illumina
Classification: Benign for Maple syrup urine disease type 1A. Last evaluated: 2018-01-13. Review status: criteria provided, single submitter. Criteria: ICSL Variant Classification Criteria 13 December 2019. Collection method: clinical testing. Allele origin: germline.
Comment: This variant was observed in the ICSL laboratory as part of a predisposition screen in an ostensibly healthy population. It had not been previously curated by ICSL or reported in the Human Gene Mutation Database (HGMD: prior to June 1st, 2018), and was therefore a candidate for classification through an automated scoring system. Utilizing variant allele frequency, disease prevalence and penetrance estimates, and inheritance mode, an automated score was calculated to assess if this variant is too frequent to cause the disease. Based on the score and internal cut-off values, a variant classified as benign is not then subjected to further curation. The score for this variant resulted in a classification of benign for this disease.

NM_183050.4(BCKDHB):c.*1158T>G

Gene: BCKDHB (branched chain keto acid dehydrogenase E1 subunit beta; plus strand). Cytogenetic location: 6q14.1.
Variant type: single nucleotide variant.
Coding change: c.*1158T>G on transcript NM_183050.4 (MANE Select); 1158 bases downstream of the stop codon, T replaced by G.
Molecular consequence: 3 prime UTR variant. On other transcripts: non-coding transcript variant (1), intron variant (1).
Genome position (GRCh38, 1-based): chr6:80,344,962, T>G. VCF-style: chr6-80344962-T-G. GRCh37 (hg19) VCF-style: chr6-81054679-T-G.
Other names: c.*1158T>G (NM_001318975.1); c.*9-1013T>G (NM_000056.5).
Identifiers: ClinVar variation 358199 (VCV000358199.5), dbSNP rs74705661, ClinGen allele CA10622798.